The following is an entry in ClinVar:

ClinVar aggregate classification (germline): Uncertain significance (0 of 4 stars; one submission).

Conditions:
LEPR-related disorder. Also called: LEPR-related condition; LEPR-related disorders.

gnomAD v4.1: 40 of 1,613,950 alleles (0.0025%); highest among the groups gnomAD compares: African/African-American, 0.004%; no homozygotes.

Submission:

PreventionGenetics, part of Exact Sciences
Classification: Uncertain significance for LEPR-related condition. Last evaluated: 2024-05-12. Review status: no assertion criteria provided. Collection method: clinical testing. Allele origin: germline.
Comment: The LEPR c.179C>T variant is predicted to result in the amino acid substitution p.Ser60Leu. This variant was observed in a cohort of individuals with obesity, and in vitro functional studies showed function similar to wild-type levels (Supplemental Data Set, Shah et al. 2023. PubMed ID: 36864747). This variant is reported in 0.0096% of alleles in individuals of Ashkenazi Jewish descent in gnomAD. At this time, the clinical significance of this variant is uncertain due to the absence of conclusive functional and genetic evidence.

NM_002303.6(LEPR):c.179C>T (p.Ser60Leu)

Gene: LEPR (leptin receptor; plus strand). Cytogenetic location: 1p31.3.
Variant type: single nucleotide variant.
Coding change: c.179C>T on transcript NM_002303.6 (MANE Select); coding-DNA position 179, C replaced by T.
Protein change: p.Ser60Leu; replaces serine 60 with leucine.
Molecular consequence: missense variant.
Genome position (GRCh38, 1-based): chr1:65,570,611, C>T. VCF-style: chr1-65570611-C-T. GRCh37 (hg19) VCF-style: chr1-66036294-C-T.
Other names: c.179C>T, p.Ser60Leu (NM_001003679.3, NM_001003680.3, NM_001198687.2 and 2 more transcripts); short protein forms S60L.
Identifiers: ClinVar variation 3353224 (VCV003353224.1).
Genomic context (GRCh38, chr1:65,570,611, plus strand): 5'-CAAATTCAACCTATGACTACTTCCTTTTGCCTGCTGGACTCTCAAAGAATACTTCAAATT[C>T]GAATGGACATTATGAGACAGCTGTTGAACCTAAGTTTAATTCAAGTGGTACTCACTTTTC-3'
Protein context (NP_002294.2, residues 50-70): PAGLSKNTSN[Ser60Leu]NGHYETAVEP